The following is an entry in ClinVar:

NM_001035.3(RYR2):c.1758A>G (p.Leu586=)

Gene: RYR2 (ryanodine receptor 2; plus strand). Cytogenetic location: 1q43.
Variant type: single nucleotide variant.
Coding change: c.1758A>G on transcript NM_001035.3 (MANE Select); coding-DNA position 1758, A replaced by G.
Protein change: p.Leu586=; no amino-acid change (leucine 586 retained).
Molecular consequence: synonymous variant.
Genome position (GRCh38, 1-based): chr1:237,491,855, A>G. VCF-style: chr1-237491855-A-G. GRCh37 (hg19) VCF-style: chr1-237655155-A-G.
Identifiers: ClinVar variation 1581037 (VCV001581037.10), dbSNP rs1260289435, ClinGen allele CA423816870.

ClinVar aggregate classification (germline): Likely benign. Review status: criteria provided, multiple submitters, no conflicts (2 of 4 stars). 2 submissions from 2 submitters: Likely benign (2). Last evaluated 2026-01-25.

Conditions:
Catecholaminergic polymorphic ventricular tachycardia (CVPT). Also called: Catecholamine-induced polymorphic ventricular tachycardia. Identifiers: Orphanet 3286, MedGen C5574922, MONDO:0017990.
Catecholaminergic polymorphic ventricular tachycardia 1. Also called: VENTRICULAR TACHYCARDIA, CATECHOLAMINERGIC POLYMORPHIC, 1, WITH OR WITHOUT ATRIAL DYSFUNCTION AND/OR DILATED CARDIOMYOPATHY; RYR2-Related Catecholaminergic Polymorphic Ventricular Tachycardia; VENTRICULAR TACHYCARDIA, STRESS-INDUCED POLYMORPHIC 1. Identifiers: Orphanet 3286, MedGen C1631597, MONDO:0011484, OMIM 604772.

gnomAD v4.1: 1 of 1,484,238 alleles (0.000067%); no homozygotes.

Submissions (2):

Labcorp Genetics (formerly Invitae), Labcorp
Classification: Likely benign for Catecholaminergic polymorphic ventricular tachycardia 1. Last evaluated: 2026-01-25. Review status: criteria provided, single submitter. Criteria: Invitae Variant Classification Sherloc (09022015). Collection method: clinical testing. Allele origin: germline.

All of Us Research Program, National Institutes of Health
Classification: Likely benign for Catecholaminergic polymorphic ventricular tachycardia. Last evaluated: 2023-04-10. Review status: criteria provided, single submitter. Criteria: ACMG Guidelines, 2015. Collection method: clinical testing. Allele origin: germline. Inheritance: Autosomal dominant inheritance. Observed: 1 variant allele, 1 heterozygote.
Comment: This study involves interpretation of variants in research participants for the purpose of population health screening. Participant phenotype was not available at the time of variant classification. Additional details can be found in publication PMID: 35346344, PMCID: PMC8962531